The following is an entry in ClinVar:

ClinVar aggregate classification (germline): Uncertain significance (1 of 4 stars; one submission).

Conditions:
Nemaline myopathy 5 (NEM5A). Also called: Nemaline myopathy 5, Amish type; NEMALINE MYOPATHY, AMISH TYPE; NEMALINE MYOPATHY 5A, AUTOSOMAL RECESSIVE, SEVERE INFANTILE. Identifiers: Orphanet 98902, MedGen C1854380, MONDO:0011539, OMIM 605355.

Allele frequency attached by ClinVar (database versions not stated): gnomAD exomes below 0.00001; TOPMed 0.00001; gnomAD 0.00002.
gnomAD v4.1: 6 of 1,614,086 alleles (0.00037%); highest among the groups gnomAD compares: Admixed American, 0.0017%; no homozygotes.

Submission:

Labcorp Genetics (formerly Invitae), Labcorp
Classification: Uncertain significance for Nemaline myopathy 5. Last evaluated: 2022-05-06. Review status: criteria provided, single submitter. Criteria: Invitae Variant Classification Sherloc (09022015). Collection method: clinical testing. Allele origin: germline.
Comment: This sequence change replaces phenylalanine, which is neutral and non-polar, with valine, which is neutral and non-polar, at codon 86 of the TNNT1 protein (p.Phe86Val). This variant is not present in population databases (gnomAD no frequency). This variant has not been reported in the literature in individuals affected with TNNT1-related conditions. Algorithms developed to predict the effect of missense changes on protein structure and function are either unavailable or do not agree on the potential impact of this missense change (SIFT: "Tolerated"; PolyPhen-2: "Probably Damaging"; Align-GVGD: "Class C0"). In summary, the available evidence is currently insufficient to determine the role of this variant in disease. Therefore, it has been classified as a Variant of Uncertain Significance.

NM_003283.6(TNNT1):c.256T>G (p.Phe86Val)

Gene: TNNT1 (troponin T1, slow skeletal type; minus strand). Cytogenetic location: 19q13.42.
Variant type: single nucleotide variant.
Coding change: c.256T>G on transcript NM_003283.6 (MANE Select); coding-DNA position 256, T replaced by G.
Protein change: p.Phe86Val; replaces phenylalanine 86 with valine.
Molecular consequence: missense variant.
Genome position (GRCh38, 1-based): chr19:55,141,239, A>C on the plus strand (T>G on the coding strand, the complement: TNNT1 is on the minus strand). VCF-style: chr19-55141239-A-C. GRCh37 (hg19) VCF-style: chr19-55652607-A-C.
Other names: c.256T>G, p.Phe86Val (NM_001126132.3); c.223T>G, p.Phe75Val (NM_001126133.3, NM_001291774.2); short protein forms F86V, F75V.
Identifiers: ClinVar variation 1510858 (VCV001510858.4), dbSNP rs1222022158, ClinGen allele CA407435381.